The following is an entry in ClinVar:

ClinVar aggregate classification (germline): Uncertain significance (1 of 4 stars; one submission).

Conditions:
Aortic aneurysm, familial thoracic 7 (AAT7). Also called: AORTIC DISSECTION, FAMILIAL, WITH OR WITHOUT AORTIC ANEURYSM. Identifiers: MedGen C3151077, MONDO:0013418, OMIM 613780.

Submission:

Labcorp Genetics (formerly Invitae), Labcorp
Classification: Uncertain significance for Aortic aneurysm, familial thoracic 7. Last evaluated: 2023-10-05. Review status: criteria provided, single submitter. Criteria: Invitae Variant Classification Sherloc (09022015). Collection method: clinical testing. Allele origin: germline.
Comment: This sequence change replaces threonine, which is neutral and polar, with serine, which is neutral and polar, at codon 381 of the MYLK protein (p.Thr381Ser). This variant is not present in population databases (gnomAD no frequency). This variant has not been reported in the literature in individuals affected with MYLK-related conditions. Advanced modeling of protein sequence and biophysical properties (such as structural, functional, and spatial information, amino acid conservation, physicochemical variation, residue mobility, and thermodynamic stability) performed at Invitae indicates that this missense variant is not expected to disrupt MYLK protein function. In summary, the available evidence is currently insufficient to determine the role of this variant in disease. Therefore, it has been classified as a Variant of Uncertain Significance.

NM_053025.4(MYLK):c.1142C>G (p.Thr381Ser)

Gene: MYLK (myosin light chain kinase; minus strand). Cytogenetic location: 3q21.1.
Variant type: single nucleotide variant.
Coding change: c.1142C>G on transcript NM_053025.4 (MANE Select); coding-DNA position 1142, C replaced by G.
Protein change: p.Thr381Ser; replaces threonine 381 with serine.
Molecular consequence: missense variant.
Genome position (GRCh38, 1-based): chr3:123,733,854, G>C on the plus strand (C>G on the coding strand, the complement: MYLK is on the minus strand). VCF-style: chr3-123733854-G-C. GRCh37 (hg19) VCF-style: chr3-123452701-G-C.
Other names: c.614C>G, p.Thr205Ser (NM_001321309.2); c.1142C>G, p.Thr381Ser (NM_053026.4, NM_053027.4, NM_053028.4); short protein forms T205S, T381S.
Identifiers: ClinVar variation 2765907 (VCV002765907.3), dbSNP rs2474562779, ClinGen allele CA354239431.